The following is an entry in ClinVar:

NC_000003.11:g.(97487075_97499002)_(97499065_97499458)dup

Gene: ARL6 (ARF like GTPase 6; plus strand). Cytogenetic location: 3q11.2.
Variant type: Duplication.
Identifiers: ClinVar variation 2429319 (VCV002429319.3).

ClinVar aggregate classification (germline): Likely pathogenic (1 of 4 stars; one submission).

Conditions:
Bardet-Biedl syndrome (BBS). Identifiers: Orphanet 110, MedGen C0752166, MONDO:0015229.

Submission:

Women's Health and Genetics/Laboratory Corporation of America, LabCorp
Classification: Likely pathogenic for Bardet-Biedl syndrome. Last evaluated: 2023-01-06. Review status: criteria provided, single submitter. Criteria: LabCorp Variant Classification Summary - May 2015. Collection method: clinical testing. Allele origin: germline.
Comment: Variant summary: The variant identified by MLPA or other technology involves the duplication of exon 4 in the ARL6 gene. A presumed nomenclature of c.(123+1_124-1)_(185+1_186-1)dup has been designated for the purposes of this classification. It has been assumed that this is a tandem duplication in direct orientation (Richardson_GIM_2018, Newman_AJHG_2015). Although exact breakpoints of this duplication are not known, it is expected to result in a frameshift in the ARL6 gene. The variant allele was found at a frequency of 0.00014 in 21694 control chromosomes in the gnomAD database, structural variants dataset. To our knowledge, no occurrence of c.(123+1_124-1)_(185+1_186-1)dup in individuals affected with Bardet-Biedl Syndrome and no experimental evidence demonstrating its impact on protein function have been reported. No clinical diagnostic laboratories have submitted clinical-significance assessments for this variant to ClinVar after 2014. Based on the evidence outlined above, the variant was classified as likely pathogenic.